The following is an entry in ClinVar:

NM_007194.4(CHEK2):c.-32T>C

Gene: CHEK2 (checkpoint kinase 2; minus strand). Cytogenetic location: 22q12.1.
Variant type: single nucleotide variant.
Coding change: c.-32T>C on transcript NM_007194.4 (MANE Select); 32 bases upstream of the start codon, T replaced by C.
Molecular consequence: 5 prime UTR variant.
Genome position (GRCh38, 1-based): chr22:28,741,794, A>G on the plus strand (T>C on the coding strand, the complement: CHEK2 is on the minus strand). VCF-style: chr22-28741794-A-G. GRCh37 (hg19) VCF-style: chr22-29137782-A-G.
Other names: c.-32T>C (NM_001005735.3, NM_001349956.3, NM_145862.3); c.-809T>C (NM_001257387.3).
Identifiers: ClinVar variation 382311 (VCV000382311.1), dbSNP rs536566373, ClinGen allele CA16608157.
Genomic context (GRCh38, chr22:28,741,794, plus strand): 5'-CCAAACACCCAACAGAAGTTCCCCATATGACTCACCGCGTGAGCCCACCTGGAGCCGCAC[A>G]CTCTCCGCAGCCTCAGCCAGCAGAGTGGCGCTAAACCTGCAGATACAAACTCCACCCTCA-3'

ClinVar aggregate classification (germline): Likely benign (1 of 4 stars; one submission).

Allele frequency attached by ClinVar (database versions not stated): gnomAD exomes 0.00004; gnomAD 0.00003 and below 0.00001; TOPMed 0.00002; 1000 Genomes Project 0.00020; 1000 Genomes Project 30x 0.00047.
gnomAD v4.1: 18 of 494,396 alleles (0.0036%); highest among the groups gnomAD compares: South Asian, 0.036%; 1 homozygote.

Submission:

GeneDx
Classification: Likely benign. Last evaluated: 2017-11-13. Review status: criteria provided, single submitter. Criteria: GeneDx Variant Classification (06012015). Collection method: clinical testing. Allele origin: germline. Affected: yes.
Comment: This variant is considered likely benign or benign based on one or more of the following criteria: it is a conservative change, it occurs at a poorly conserved position in the protein, it is predicted to be benign by multiple in silico algorithms, and/or has population frequency not consistent with disease.